The following is an entry in ClinVar:

NM_138295.5(PKD1L1):c.960_961del (p.Cys321fs)

Gene: PKD1L1 (polycystin 1 like 1, transient receptor potential channel interacting; minus strand). Cytogenetic location: 7p12.3.
Variant type: Microsatellite.
Coding change: c.960_961del on transcript NM_138295.5 (MANE Select); coding-DNA positions 960 to 961, 2 bases deleted (CT; older notation c.960_961delCT).
Protein change: p.Cys321fs; shifts the reading frame from cysteine 321.
Molecular consequence: frameshift variant.
Genome position (GRCh38, 1-based): chr7:47,929,303-47,929,304, AG deleted on the plus strand (CT on the coding strand, the reverse complement: PKD1L1 is on the minus strand); deleting any 2 consecutive bases within chr7:47,929,303-47,929,308 gives the same sequence; the c. name uses the placement nearest the transcript's 3' end. VCF-style (leftmost placement, unchanged base first): chr7-47929302-CAG-C. GRCh37 (hg19) VCF-style: chr7-47968899-CAG-C.
Other names: short protein forms C321fs.
Identifiers: ClinVar variation 3051552 (VCV003051552.2), dbSNP rs1787715929, ClinGen allele CA1101033511.

ClinVar aggregate classification (germline): Likely pathogenic (0 of 4 stars; one submission).

Conditions:
PKD1L1-related disorder. Also called: PKD1L1-related condition.

Submission:

PreventionGenetics, part of Exact Sciences
Classification: Likely pathogenic for PKD1L1-related condition. Last evaluated: 2023-12-19. Review status: no assertion criteria provided. Collection method: clinical testing. Allele origin: germline.
Comment: The PKD1L1 c.960_961delCT variant is predicted to result in a frameshift and premature protein termination (p.Cys321Serfs*12). To our knowledge, this variant has not been reported in the literature or in a large population database, indicating this variant is rare. Frameshift variants in PKD1L1 are expected to be pathogenic. This variant is interpreted as likely pathogenic.